The following is an entry in ClinVar:

NM_007294.4(BRCA1):c.3320A>G (p.Glu1107Gly)

Genes: BRCA1 (BRCA1 DNA repair associated; minus strand), LOC126862571 (BRD4-independent group 4 enhancer GRCh37_chr17:41243136-41244335; plus strand). Cytogenetic location: 17q21.31.
Variant type: single nucleotide variant.
Coding change: c.3320A>G on transcript NM_007294.4 (MANE Select); coding-DNA position 3320, A replaced by G.
Protein change: p.Glu1107Gly; replaces glutamic acid 1107 with glycine.
Molecular consequence: missense variant. On other transcripts: intron variant (137).
Genome position (GRCh38, 1-based): chr17:43,092,211, T>C on the plus strand (A>G on the coding strand, the complement: BRCA1 is on the minus strand). VCF-style: chr17-43092211-T-C. GRCh37 (hg19) VCF-style: chr17-41244228-T-C.
Other names: c.3320A>G, p.Glu1107Gly (NM_001407618.1, NM_001407619.1, NM_001407623.1 and 30 more transcripts); c.2984A>G, p.Glu995Gly (NM_001407958.1, NM_001407954.1, NM_001407955.1 and 1 more transcripts); c.2939A>G, p.Glu980Gly (NM_001407959.1, NM_001407963.1, NM_001407960.1); c.2936A>G, p.Glu979Gly (NM_001407962.1); c.3176A>G, p.Glu1059Gly (NM_001407964.1, NM_001407740.1, NM_001407741.1 and 20 more transcripts); c.662-1179A>G (NM_001408433.1, NM_001408446.1, NM_001408435.1 and 6 more transcripts); c.785-1179A>G (NM_001408400.1, NM_001408392.1, NM_001407986.1 and 13 more transcripts); c.665-1179A>G (NM_001408441.1, NM_001408437.1, NM_001408429.1 and 12 more transcripts); and 41 more; short protein forms E1060G, E1107G, E1036G, E1039G, E1040G, E1066G, E1081G, E1106G.
Identifiers: ClinVar variation 823606 (VCV000823606.9), dbSNP rs1597864403, ClinGen allele CA10595345.

ClinVar aggregate classification (germline): Conflicting classifications of pathogenicity. Review status: criteria provided, conflicting classifications (1 of 4 stars). 3 submissions from 3 submitters: Uncertain significance (2); Likely benign (1). Last evaluated 2024-11-22.

Conditions:
Hereditary breast ovarian cancer syndrome. Also called: Hereditary breast and ovarian cancer syndrome; Hereditary breast and ovarian cancer; Hereditary breast and ovarian cancer syndrome (HBOC); Breast and ovarian cancer; Hereditary breast and/or ovarian cancer syndrome; BRCA1- and BRCA2-Associated Hereditary Breast and Ovarian Cancer. Identifiers: Orphanet 145, MedGen C0677776, MeSH D061325, MONDO:0003582. Disease mechanism: loss of function.
Hereditary cancer-predisposing syndrome. Also called: Neoplastic Syndromes, Hereditary; Tumor predisposition; Hereditary neoplastic syndrome; Hereditary Cancer Syndrome. Identifiers: Orphanet 140162, MedGen C0027672, MeSH D009386, MONDO:0015356.

Allele frequency attached by ClinVar (database versions not stated): gnomAD exomes below 0.00001.
gnomAD v4.1: 3 of 1,613,400 alleles (0.00019%); highest among the groups gnomAD compares: Non-Finnish European, 0.00025%; no homozygotes.

Submissions (3):

Labcorp Genetics (formerly Invitae), Labcorp
Classification: Uncertain significance for Hereditary breast ovarian cancer syndrome. Last evaluated: 2024-11-22. Review status: criteria provided, single submitter. Criteria: Invitae Variant Classification Sherloc (09022015). Collection method: clinical testing. Allele origin: germline.
Comment: This sequence change replaces glutamic acid, which is acidic and polar, with glycine, which is neutral and non-polar, at codon 1107 of the BRCA1 protein (p.Glu1107Gly). This variant is not present in population databases (gnomAD no frequency). This variant has not been reported in the literature in individuals affected with BRCA1-related conditions. ClinVar contains an entry for this variant (Variation ID: 823606). Invitae Evidence Modeling of protein sequence and biophysical properties (such as structural, functional, and spatial information, amino acid conservation, physicochemical variation, residue mobility, and thermodynamic stability) indicates that this missense variant is not expected to disrupt BRCA1 protein function with a negative predictive value of 80%. In summary, the available evidence is currently insufficient to determine the role of this variant in disease. Therefore, it has been classified as a Variant of Uncertain Significance.

University of Washington Department of Laboratory Medicine, University of Washington
Classification: Likely benign for Hereditary cancer-predisposing syndrome. Last evaluated: 2023-03-23. Review status: criteria provided, single submitter. Criteria: Dines et al. (Genet Med. 2020). Collection method: curation. Allele origin: germline.
Comment: Missense variant in a coldspot region where missense variants are very unlikely to be pathogenic (PMID:31911673).

BRCA1 coldspot (exon 11 using historical exon numbering). Reclassification based on statistical prior probability

Ambry Genetics
Classification: Uncertain significance for Hereditary cancer-predisposing syndrome. Last evaluated: 2018-10-18. Review status: criteria provided, single submitter. Criteria: Ambry Variant Classification Scheme 2023. Collection method: clinical testing. Allele origin: germline.
Comment: The p.E1107G variant (also known as c.3320A>G), located in coding exon 9 of the BRCA1 gene, results from an A to G substitution at nucleotide position 3320. The glutamic acid at codon 1107 is replaced by glycine, an amino acid with similar properties. This amino acid position is not well conserved in available vertebrate species. In addition, the in silico prediction for this alteration is inconclusive. Since supporting evidence is limited at this time, the clinical significance of this alteration remains unclear.